The following is an entry in ClinVar:

ClinVar aggregate classification (germline): Uncertain significance (1 of 4 stars; one submission).

Conditions:
Inborn genetic diseases. Identifiers: MedGen C0950123, MeSH D030342.

Allele frequency attached by ClinVar (database versions not stated): gnomAD exomes below 0.00001.
gnomAD v4.1: 4 of 1,605,088 alleles (0.00025%); highest among the groups gnomAD compares: South Asian, 0.0022%; no homozygotes.

Submission:

Ambry Genetics
Classification: Uncertain significance for Inborn genetic diseases. Last evaluated: 2022-11-02. Review status: criteria provided, single submitter. Criteria: Ambry Variant Classification Scheme 2023. Collection method: clinical testing. Allele origin: germline.
Comment: The p.S476G variant (also known as c.1426A>G), located in coding exon 10 of the EPAS1 gene, results from an A to G substitution at nucleotide position 1426. The serine at codon 476 is replaced by glycine, an amino acid with similar properties. This amino acid position is conserved. In addition, this alteration is predicted to be tolerated by in silico analysis. Since supporting evidence is limited at this time, the clinical significance of this alteration remains unclear.

NM_001430.5(EPAS1):c.1426A>G (p.Ser476Gly)

Gene: EPAS1 (endothelial PAS domain protein 1; plus strand). Cytogenetic location: 2p21.
Variant type: single nucleotide variant.
Coding change: c.1426A>G on transcript NM_001430.5 (MANE Select); coding-DNA position 1426, A replaced by G.
Protein change: p.Ser476Gly; replaces serine 476 with glycine.
Molecular consequence: missense variant.
Genome position (GRCh38, 1-based): chr2:46,378,070, A>G. VCF-style: chr2-46378070-A-G. GRCh37 (hg19) VCF-style: chr2-46605209-A-G.
Other names: short protein forms S476G.
Identifiers: ClinVar variation 3221548 (VCV003221548.1), dbSNP rs1034103766, ClinGen allele CA46563975.